The following is an entry in ClinVar:

NM_004727.3(SLC24A1):c.1352G>A (p.Arg451Gln)

Gene: SLC24A1 (solute carrier family 24 member 1; plus strand). Cytogenetic location: 15q22.31.
Variant type: single nucleotide variant.
Coding change: c.1352G>A on transcript NM_004727.3 (MANE Select); coding-DNA position 1352, G replaced by A.
Protein change: p.Arg451Gln; replaces arginine 451 with glutamine.
Molecular consequence: missense variant.
Genome position (GRCh38, 1-based): chr15:65,625,432, G>A. VCF-style: chr15-65625432-G-A. GRCh37 (hg19) VCF-style: chr15-65917770-G-A.
Other names: c.1352G>A, p.Arg451Gln (NM_001301031.1, NM_001301032.1, NM_001301033.2); short protein forms R451Q.
Identifiers: ClinVar variation 497725 (VCV000497725.11), dbSNP rs752115728, ClinGen allele CA7619888.

ClinVar aggregate classification (germline): Uncertain significance. Review status: criteria provided, multiple submitters, no conflicts (2 of 4 stars). 3 submissions from 3 submitters: Uncertain significance (3). Last evaluated 2024-10-09.

Allele frequency attached by ClinVar (database versions not stated): gnomAD exomes 0.00002 and 0.00003; ExAC 0.00003; gnomAD 0.00004; TOPMed 0.00005.
gnomAD v4.1: 34 of 1,613,938 alleles (0.0021%); highest among the groups gnomAD compares: African/African-American, 0.0067%; no homozygotes.

Submissions (3):

Blueprint Genetics
Classification: Uncertain significance. Last evaluated: 2024-10-09. Review status: criteria provided, single submitter. Criteria: ACMG Guidelines, 2015. Collection method: clinical testing. Allele origin: germline.

Labcorp Genetics (formerly Invitae), Labcorp
Classification: Uncertain significance. Last evaluated: 2022-08-16. Review status: criteria provided, single submitter. Criteria: Invitae Variant Classification Sherloc (09022015). Collection method: clinical testing. Allele origin: germline.
Comment: This sequence change replaces arginine, which is basic and polar, with glutamine, which is neutral and polar, at codon 451 of the SLC24A1 protein (p.Arg451Gln). This variant is present in population databases (rs752115728, gnomAD 0.01%). This variant has not been reported in the literature in individuals affected with SLC24A1-related conditions. ClinVar contains an entry for this variant (Variation ID: 497725). Algorithms developed to predict the effect of missense changes on protein structure and function output the following: SIFT: "Tolerated"; PolyPhen-2: "Possibly Damaging"; Align-GVGD: "Class C0". The glutamine amino acid residue is found in multiple mammalian species, which suggests that this missense change does not adversely affect protein function. In summary, the available evidence is currently insufficient to determine the role of this variant in disease. Therefore, it has been classified as a Variant of Uncertain Significance.

Eurofins Ntd Llc (ga)
Classification: Uncertain significance. Last evaluated: 2016-10-25. Review status: criteria provided, single submitter. Criteria: EGL Classification Definitions 2015. Collection method: clinical testing. Allele origin: germline. Observed: 1 variant allele, 1 heterozygote.